The following is an entry in ClinVar:

ClinVar aggregate classification (germline): Uncertain significance (1 of 4 stars; one submission).

Submission:

Greenwood Genetic Center Diagnostic Laboratories, Greenwood Genetic Center
Classification: Uncertain significance. Last evaluated: 2025-11-13. Review status: criteria provided, single submitter. Criteria: ACMG Guidelines, 2015. Collection method: clinical testing. Allele origin: germline. Affected: yes.
Comment: PM2, BP4

NM_006517.5(SLC16A2):c.1509G>T (p.Arg503Ser)

Gene: SLC16A2 (solute carrier family 16 member 2; plus strand). Cytogenetic location: Xq13.2.
Variant type: single nucleotide variant.
Coding change: c.1509G>T on transcript NM_006517.5 (MANE Select); coding-DNA position 1509, G replaced by T.
Protein change: p.Arg503Ser; replaces arginine 503 with serine.
Molecular consequence: missense variant.
Genome position (GRCh38, 1-based): chrX:74,531,442, G>T. VCF-style: chrX-74531442-G-T. GRCh37 (hg19) VCF-style: chrX-73751277-G-T.
Other names: short protein forms R503S.
Identifiers: ClinVar variation 4845459 (VCV004845459.1).